The following is an entry in ClinVar:

NM_000256.3(MYBPC3):c.2239G>T (p.Gly747Cys)

Gene: MYBPC3 (myosin binding protein C3; minus strand). Cytogenetic location: 11p11.2.
Variant type: single nucleotide variant.
Coding change: c.2239G>T on transcript NM_000256.3 (MANE Select); coding-DNA position 2239, G replaced by T.
Protein change: p.Gly747Cys; replaces glycine 747 with cysteine.
Molecular consequence: missense variant.
Genome position (GRCh38, 1-based): chr11:47,338,589, C>A on the plus strand (G>T on the coding strand, the complement: MYBPC3 is on the minus strand). VCF-style: chr11-47338589-C-A. GRCh37 (hg19) VCF-style: chr11-47360140-C-A.
Other names: short protein forms G747C.
Identifiers: ClinVar variation 3074820 (VCV003074820.1), dbSNP rs2495752401, ClinGen allele CA380320289.

ClinVar aggregate classification (germline): Uncertain significance (1 of 4 stars; one submission).

Conditions:
Hypertrophic cardiomyopathy. Also called: HYPERTROPHIC MYOCARDIOPATHY. Identifiers: Orphanet 217569, MedGen C0007194, MeSH D002312, MONDO:0005045, HP:0001639.

Submission:

All of Us Research Program, National Institutes of Health
Classification: Uncertain significance for Hypertrophic cardiomyopathy. Last evaluated: 2023-12-13. Review status: criteria provided, single submitter. Criteria: ACMG Guidelines, 2015. Collection method: clinical testing. Allele origin: germline. Inheritance: Autosomal dominant inheritance. Observed: 1 variant allele, 1 heterozygote.
Comment: This missense variant replaces glycine with cysteine at codon 747 of the MYBPC3 protein. Computational prediction suggests that this variant may have deleterious impact on protein structure and function (internally defined REVEL score threshold >= 0.7, PMID: 27666373). To our knowledge, functional studies have not been reported for this variant. This variant has not been reported in individuals affected with MYBPC3-related disorders in the literature. This variant has not been identified in the general population by the Genome Aggregation Database (gnomAD). The available evidence is insufficient to determine the role of this variant in disease conclusively. Therefore, this variant is classified as a Variant of Uncertain Significance.

This study involves interpretation of variants in research participants for the purpose of population health screening. Participant phenotype was not available at the time of variant classification. Additional details can be found in publication PMID: 35346344, PMCID: PMC8962531